The following is an entry in ClinVar:

ClinVar aggregate classification (germline): Pathogenic. Review status: criteria provided, multiple submitters, no conflicts (2 of 4 stars). 2 submissions from 2 submitters: Pathogenic (2). Last evaluated 2025-01-06.

Conditions:
Familial adenomatous polyposis 1 (FAP1). Also called: POLYPOSIS, ADENOMATOUS INTESTINAL; FAMILIAL ADENOMATOUS POLYPOSIS 1, ATTENUATED. Identifiers: MedGen C2713442, MONDO:0021056, OMIM 175100. Disease mechanism: loss of function.

Submissions (2):

Quest Diagnostics Nichols Institute San Juan Capistrano
Classification: Pathogenic. Last evaluated: 2025-01-06. Review status: criteria provided, single submitter. Criteria: Quest Diagnostics criteria. Collection method: clinical testing. Allele origin: unknown.
Comment: The APC c.1639_1640del (p.Val547Phefs*12) variant alters the translational reading frame of the APC mRNA and causes the premature termination of APC protein synthesis. This variant has not been reported in individuals with APC-related conditions in the published literature. This variant has not been reported in large, multi-ethnic general populations (Genome Aggregation Database). Based on the available information, this variant is classified as pathogenic.

Labcorp Genetics (formerly Invitae), Labcorp
Classification: Pathogenic for Familial adenomatous polyposis 1. Last evaluated: 2021-07-31. Review status: criteria provided, single submitter. Criteria: Invitae Variant Classification Sherloc (09022015). Collection method: clinical testing. Allele origin: germline.
Comment: This sequence change creates a premature translational stop signal (p.Val547Phefs*12) in the APC gene. It is expected to result in an absent or disrupted protein product. Loss-of-function variants in APC are known to be pathogenic (PMID: 17963004, 20685668). This variant is not present in population databases (ExAC no frequency). This variant has not been reported in the literature in individuals affected with APC-related conditions. For these reasons, this variant has been classified as Pathogenic.

Literature cited by the submitters: PubMed 17963004 (cited by Labcorp Genetics (formerly Invitae), Labcorp); PubMed 20685668 (cited by Labcorp Genetics (formerly Invitae), Labcorp).

NM_000038.6(APC):c.1639_1640del (p.Val547fs)

Gene: APC (APC regulator of Wnt signaling pathway; plus strand). Cytogenetic location: 5q22.2.
Variant type: Microsatellite.
Coding change: c.1639_1640del on transcript NM_000038.6 (MANE Select); coding-DNA positions 1639 to 1640, 2 bases deleted (GT; older notation c.1639_1640delGT).
Protein change: p.Val547fs; shifts the reading frame from valine 547.
Molecular consequence: frameshift variant.
Genome position (GRCh38, 1-based): chr5:112,828,868-112,828,869, GT deleted; deleting any 2 consecutive bases within chr5:112,828,866-112,828,869 gives the same sequence; the c. name uses the placement nearest the transcript's 3' end. VCF-style (leftmost placement, unchanged base first): chr5-112828865-AGT-A. GRCh37 (hg19) VCF-style: chr5-112164562-AGT-A.
Other names: c.1639_1640del, p.Val547fs (NM_001127510.3, NM_001354895.2); c.1585_1586del, p.Val529fs (NM_001127511.3); c.1693_1694del, p.Val565fs (NM_001354896.2); c.1669_1670del, p.Val557fs (NM_001354897.2); c.1564_1565del, p.Val522fs (NM_001354898.2); c.1555_1556del, p.Val519fs (NM_001354899.2); c.1516_1517del, p.Val506fs (NM_001354900.2); c.1462_1463del, p.Val488fs (NM_001354901.2); and 6 more; short protein forms V421fs, V506fs, V522fs, V456fs, V264fs, V387fs, V446fs, V519fs.
Identifiers: ClinVar variation 1454142 (VCV001454142.7), dbSNP rs2149816948, ClinGen allele CA2580613626.